The following is an entry in ClinVar:

ClinVar aggregate classification (germline): Uncertain significance (1 of 4 stars; one submission).

Conditions:
PLXNA3-related disorder. Also called: PLXNA3-related condition.

Submission:

PreventionGenetics, part of Exact Sciences
Classification: Uncertain significance for PLXNA3-related condition. Last evaluated: 2026-06-25. Review status: criteria provided, single submitter. Criteria: ACMG Guidelines, 2015. Collection method: clinical testing. Allele origin: germline.
Comment: The PLXNA3 c.469G>C variant is predicted to result in the amino acid substitution p.Glu157Gln. To our knowledge, this variant has not been reported in the literature. This variant is reported in 0.0059% of alleles in individuals of European (Non-Finnish) descent in gnomAD. At this time, the clinical significance of this variant is uncertain due to the absence of conclusive functional and genetic evidence.

NM_017514.5(PLXNA3):c.469G>C (p.Glu157Gln)

Gene: PLXNA3 (plexin A3; plus strand). Cytogenetic location: Xq28.
Variant type: single nucleotide variant.
Coding change: c.469G>C on transcript NM_017514.5 (MANE Select); coding-DNA position 469, G replaced by C.
Protein change: p.Glu157Gln; replaces glutamic acid 157 with glutamine.
Molecular consequence: missense variant.
Genome position (GRCh38, 1-based): chrX:154,460,652, G>C. VCF-style: chrX-154460652-G-C. GRCh37 (hg19) VCF-style: chrX-153688992-G-C.
Other names: short protein forms E157Q.
Identifiers: ClinVar variation 4989015 (VCV004989015.1).